The following is an entry in ClinVar:

NM_004172.5(SLC1A3):c.*230C>T

Genes: SLC1A3-AS1 (SLC1A3 antisense RNA 1; minus strand), SLC1A3 (solute carrier family 1 member 3; plus strand). Cytogenetic location: 5p13.2.
Variant type: single nucleotide variant.
Coding change: c.*230C>T on transcript NM_004172.5 (MANE Select); 230 bases downstream of the stop codon, C replaced by T.
Molecular consequence: 3 prime UTR variant.
Genome position (GRCh38, 1-based): chr5:36,686,499, C>T. VCF-style: chr5-36686499-C-T. GRCh37 (hg19) VCF-style: chr5-36686601-C-T.
Other names: c.*230C>T (NM_001166695.3, NM_001289939.2, NM_001289940.2).
Identifiers: ClinVar variation 353330 (VCV000353330.5), dbSNP rs61420944, ClinGen allele CA10621690.
Genomic context (GRCh38, chr5:36,686,499, plus strand): 5'-CAAAGTGTACAATTTTCATCCCACAATTGAAATTTTTAAATCATTTCATGTTAGTCTTAC[C>T]GAATAAGGTACCAAGATCACAAATAGTGTTGATCAGATCTTACAAGTTTATGTGGCACAC-3'

ClinVar aggregate classification (germline): Benign (1 of 4 stars; one submission).

Conditions:
Episodic ataxia type 6. Identifiers: Orphanet 209967, MedGen C2675211, MONDO:0012982, OMIM 612656.

Allele frequency attached by ClinVar (database versions not stated): gnomAD exomes 0.00692; 1000 Genomes Project 0.04313; 1000 Genomes Project 30x 0.04388; gnomAD 0.04615 and 0.04981; TOPMed 0.05208.
gnomAD v4.1: 9,830 of 546,812 alleles (1.8%); highest among the groups gnomAD compares: African/African-American, 16%; 701 homozygotes.

Submission:

Illumina Laboratory Services, Illumina
Classification: Benign for Episodic ataxia type 6. Last evaluated: 2018-01-13. Review status: criteria provided, single submitter. Criteria: ICSL Variant Classification Criteria 13 December 2019. Collection method: clinical testing. Allele origin: germline.
Comment: This variant was observed in the ICSL laboratory as part of a predisposition screen in an ostensibly healthy population. It had not been previously curated by ICSL or reported in the Human Gene Mutation Database (HGMD: prior to June 1st, 2018), and was therefore a candidate for classification through an automated scoring system. Utilizing variant allele frequency, disease prevalence and penetrance estimates, and inheritance mode, an automated score was calculated to assess if this variant is too frequent to cause the disease. Based on the score and internal cut-off values, a variant classified as benign is not then subjected to further curation. The score for this variant resulted in a classification of benign for this disease.